The following is an entry in ClinVar:

NM_177433.3(MAGED2):c.532C>T (p.Arg178Ter)

Gene: MAGED2 (MAGE family member D2; plus strand). Cytogenetic location: Xp11.21.
Variant type: single nucleotide variant.
Coding change: c.532C>T on transcript NM_177433.3 (MANE Select); coding-DNA position 532, C replaced by T.
Protein change: p.Arg178Ter; replaces arginine 178 with a stop codon.
Molecular consequence: nonsense.
Genome position (GRCh38, 1-based): chrX:54,810,208, C>T. VCF-style: chrX-54810208-C-T. GRCh37 (hg19) VCF-style: chrX-54836641-C-T.
Other names: c.532C>T, p.Arg178Ter (NM_014599.6, NM_201222.3); short protein forms R178*.
Identifiers: ClinVar variation 4759358 (VCV004759358.1).

ClinVar aggregate classification (germline): Pathogenic (1 of 4 stars; one submission).

Conditions:
Renal tubulopathies.

Submission:

Genetics Laboratory, Great Ormond Street Hospital NHS Foundation Trust, North Thames Genomic Laboratory Hub
Classification: Pathogenic for Renal tubulopathies. Last evaluated: 2025-12-15. Review status: criteria provided, single submitter. Criteria: ACGS Best Practice Guidelines for Variant Classification in Rare Disease 2024 v1.2. Collection method: clinical testing. Allele origin: germline. Affected: yes.
Comment: PM2_moderate, PVS1_very-strong, PP4_supporting